The following is an entry in ClinVar:

NM_170784.3(MKKS):c.431_441del (p.Phe144fs)

Gene: MKKS (MKKS centrosomal shuttling protein; minus strand). Cytogenetic location: 20p12.2.
Variant type: Deletion.
Coding change: c.431_441del on transcript NM_170784.3 (MANE Select); coding-DNA positions 431 to 441, 11 bases deleted (TTAGTAGTACT).
Protein change: p.Phe144fs; shifts the reading frame from phenylalanine 144.
Molecular consequence: frameshift variant.
Genome position (GRCh38, 1-based): chr20:10,413,074-10,413,084, AGTACTACTAA deleted on the plus strand (TTAGTAGTACT on the coding strand, the reverse complement: MKKS is on the minus strand); deleting any 11 consecutive bases within chr20:10,413,074-10,413,087 gives the same sequence; the c. name uses the placement nearest the transcript's 3' end. VCF-style (leftmost placement, unchanged base first): chr20-10413073-GAGTACTACTAA-G. GRCh37 (hg19) VCF-style: chr20-10393721-GAGTACTACTAA-G.
Other names: c.431_441del, p.Phe144fs (NM_018848.3); short protein forms F144fs.
Identifiers: ClinVar variation 21670 (VCV000021670.3), dbSNP rs113994195, ClinGen allele CA342352.
Genomic context (GRCh38, chr20:10,413,073, plus strand): 5'-TGGTGAGCATACAGGCAGGTTTACTTGTTAATATACTACGCACCAAACAAAGGAGGATCT[GAGTACTACTAA>G]AGTCCACTGGGATTCGACAACCACAGGTCTCAGACTTGAGATAACTGATGCAAAGACTCA-3'

ClinVar aggregate classification (germline): Pathogenic (0 of 4 stars; one submission).

Conditions:
Bardet-Biedl syndrome (BBS). Identifiers: Orphanet 110, MedGen C0752166, MONDO:0015229.

Submission:

GeneReviews
Classification: Pathogenic for Bardet-Biedl Syndrome. Last evaluated: 2009-10-13. Review status: no assertion criteria provided. Collection method: curation. Allele origin: unknown.
ClinVar note: Converted during submission from pathologic to Pathogenic.